The following is an entry in ClinVar:

NM_001377.3(DYNC2H1):c.11649+283T>G

Gene: DYNC2H1 (dynein cytoplasmic 2 heavy chain 1; plus strand). Cytogenetic location: 11q22.3.
Variant type: single nucleotide variant.
Coding change: c.11649+283T>G on transcript NM_001377.3 (MANE Select); 283 bases into the intron after coding-DNA position 11649, T replaced by G.
Molecular consequence: intron variant.
Genome position (GRCh38, 1-based): chr11:103,312,316, T>G. VCF-style: chr11-103312316-T-G. GRCh37 (hg19) VCF-style: chr11-103183045-T-G.
Other names: c.11670+283T>G (NM_001080463.2).
Identifiers: ClinVar variation 667776 (VCV000667776.1), dbSNP rs11225690, ClinGen allele CA13469059.

ClinVar aggregate classification (germline): Benign (1 of 4 stars; one submission).

Allele frequency attached by ClinVar (database versions not stated): 1000 Genomes Project 0.17292; 1000 Genomes Project 30x 0.17614; gnomAD 0.17763.
gnomAD v4.1: 25,742 of 143,768 alleles (18%); highest among the groups gnomAD compares: Admixed American, 27%; 2,404 homozygotes.

Submission:

GeneDx
Classification: Benign. Last evaluated: 2018-06-14. Review status: criteria provided, single submitter. Criteria: GeneDx Variant Classification (06012015). Collection method: clinical testing. Allele origin: germline. Affected: yes.
Comment: This variant is considered likely benign or benign based on one or more of the following criteria: it is a conservative change, it occurs at a poorly conserved position in the protein, it is predicted to be benign by multiple in silico algorithms, and/or has population frequency not consistent with disease.